The following is an entry in ClinVar:

ClinVar aggregate classification (germline): Uncertain significance. Review status: criteria provided, multiple submitters, no conflicts (2 of 4 stars). 2 submissions from 2 submitters: Uncertain significance (2). Last evaluated 2025-05-06.

Conditions:
Familial hemophagocytic lymphohistiocytosis 2 (FHL2). Also called: PRF1-Related Familial Hemophagocytic Lymphohistiocytosis (PRF1-fHLH). Identifiers: Orphanet 540, MedGen C1863727, MONDO:0011337, OMIM 603553.

Submissions (2):

Women's Health and Genetics/Laboratory Corporation of America, LabCorp
Classification: Uncertain significance. Last evaluated: 2025-05-06. Review status: criteria provided, single submitter. Criteria: LabCorp Variant Classification Summary - May 2015. Collection method: clinical testing. Allele origin: germline.
Comment: Variant summary: PRF1 c.140G>A (p.Gly47Asp) results in a non-conservative amino acid change located in the Membrane attack complex component/perforin (MACPF) domain (IPR020864) of the encoded protein sequence. Algorithms developed to predict the effect of missense changes on protein structure and function all suggest that this variant is likely to be disruptive. The variant was absent in 246904 control chromosomes (gnomAD). The available data on variant occurrences in the general population are insufficient to allow any conclusion about variant significance. To our knowledge, no occurrence of c.140G>A in individuals affected with Familial Hemophagocytic Lymphohistiocytosis and no experimental evidence demonstrating its impact on protein function have been reported. Other missense changes affecting the same residue (G47V/C) have been reported in individuals affected with hemophagocytic lymphohistiocytosis (HGMD), suggesting that this residue might be important for protein function. ClinVar contains an entry for this variant (Variation ID: 2054104). Based on the evidence outlined above, the variant was classified as uncertain significance.

Labcorp Genetics (formerly Invitae), Labcorp
Classification: Uncertain significance for Familial hemophagocytic lymphohistiocytosis 2. Last evaluated: 2021-12-23. Review status: criteria provided, single submitter. Criteria: Invitae Variant Classification Sherloc (09022015). Collection method: clinical testing. Allele origin: germline.
Comment: This sequence change replaces glycine, which is neutral and non-polar, with aspartic acid, which is acidic and polar, at codon 47 of the PRF1 protein (p.Gly47Asp). In summary, the available evidence is currently insufficient to determine the role of this variant in disease. Therefore, it has been classified as a Variant of Uncertain Significance. Algorithms developed to predict the effect of missense changes on protein structure and function are either unavailable or do not agree on the potential impact of this missense change (SIFT: "Deleterious"; PolyPhen-2: "Probably Damaging"; Align-GVGD: "Class C0"). This variant has not been reported in the literature in individuals affected with PRF1-related conditions. This variant is not present in population databases (gnomAD no frequency).

NM_001083116.3(PRF1):c.140G>A (p.Gly47Asp)

Gene: PRF1 (perforin 1; minus strand). Cytogenetic location: 10q22.1.
Variant type: single nucleotide variant.
Coding change: c.140G>A on transcript NM_001083116.3 (MANE Select); coding-DNA position 140, G replaced by A.
Protein change: p.Gly47Asp; replaces glycine 47 with aspartic acid.
Molecular consequence: missense variant.
Genome position (GRCh38, 1-based): chr10:70,600,763, C>T on the plus strand (G>A on the coding strand, the complement: PRF1 is on the minus strand). VCF-style: chr10-70600763-C-T. GRCh37 (hg19) VCF-style: chr10-72360519-C-T.
Other names: c.140G>A, p.Gly47Asp (NM_005041.6); short protein forms G47D.
Identifiers: ClinVar variation 2054104 (VCV002054104.5), dbSNP rs1264374470, ClinGen allele CA376960008.